The following is an entry in ClinVar:

ClinVar aggregate classification (germline): Uncertain significance. Review status: criteria provided, multiple submitters, no conflicts (2 of 4 stars). 2 submissions from 2 submitters: Uncertain significance (2). Last evaluated 2025-05-05.

Conditions:
Inborn genetic diseases. Identifiers: MedGen C0950123, MeSH D030342.
Mucopolysaccharidosis, MPS-III-D (MPS3D). Also called: N-ACETYLGLUCOSAMINE-6-SULFATASE DEFICIENCY; SANFILIPPO SYNDROME D; MPS III D; Mucopoly-saccharidosis type 3D; N-acetylglucosamine-6-sulfate sulfatase deficiency; MPS 3D. Identifiers: Orphanet 581, Orphanet 79272, MedGen C0086650, MONDO:0009658, OMIM 252940.

Allele frequency attached by ClinVar (database versions not stated): TOPMed 0.00001; gnomAD exomes below 0.00001.
gnomAD v4.1: 3 of 1,609,424 alleles (0.00019%); highest among the groups gnomAD compares: East Asian, 0.0022%; no homozygotes.

Submissions (2):

Ambry Genetics
Classification: Uncertain significance for Inborn genetic diseases. Last evaluated: 2025-05-05. Review status: criteria provided, single submitter. Criteria: Ambry Variant Classification Scheme 2023. Collection method: clinical testing. Allele origin: germline.

Labcorp Genetics (formerly Invitae), Labcorp
Classification: Uncertain significance for Mucopolysaccharidosis, MPS-III-D. Last evaluated: 2024-11-11. Review status: criteria provided, single submitter. Criteria: Invitae Variant Classification Sherloc (09022015). Collection method: clinical testing. Allele origin: germline.
Comment: This sequence change replaces valine, which is neutral and non-polar, with isoleucine, which is neutral and non-polar, at codon 165 of the GNS protein (p.Val165Ile). This variant is present in population databases (no rsID available, gnomAD 0.006%). This variant has not been reported in the literature in individuals affected with GNS-related conditions. ClinVar contains an entry for this variant (Variation ID: 2143291). Invitae Evidence Modeling of protein sequence and biophysical properties (such as structural, functional, and spatial information, amino acid conservation, physicochemical variation, residue mobility, and thermodynamic stability) indicates that this missense variant is not expected to disrupt GNS protein function with a negative predictive value of 80%. In summary, the available evidence is currently insufficient to determine the role of this variant in disease. Therefore, it has been classified as a Variant of Uncertain Significance.

NM_002076.4(GNS):c.493G>A (p.Val165Ile)

Gene: GNS (glucosamine (N-acetyl)-6-sulfatase; minus strand). Cytogenetic location: 12q14.3.
Variant type: single nucleotide variant.
Coding change: c.493G>A on transcript NM_002076.4 (MANE Select); coding-DNA position 493, G replaced by A.
Protein change: p.Val165Ile; replaces valine 165 with isoleucine.
Molecular consequence: missense variant.
Genome position (GRCh38, 1-based): chr12:64,745,691, C>T on the plus strand (G>A on the coding strand, the complement: GNS is on the minus strand). VCF-style: chr12-64745691-C-T. GRCh37 (hg19) VCF-style: chr12-65139471-C-T.
Other names: c.493G>A (NM_002076.3); short protein forms V165I.
Identifiers: ClinVar variation 2143291 (VCV002143291.4), dbSNP rs986213151, ClinGen allele CA238291572.